The following is an entry in ClinVar:

ClinVar aggregate classification (germline): Uncertain significance (1 of 4 stars; one submission).

gnomAD v4.1: 9 of 1,613,328 alleles (0.00056%); highest among the groups gnomAD compares: East Asian, 0.0045%; no homozygotes.

Submission:

GeneDx
Classification: Uncertain significance. Last evaluated: 2024-12-17. Review status: criteria provided, single submitter. Criteria: GeneDx Variant Classification Process June 2021. Collection method: clinical testing. Allele origin: germline. Affected: yes.
Comment: Not observed at significant frequency in large population cohorts (gnomAD); In silico analysis supports that this missense variant has a deleterious effect on protein structure/function; Has not been previously published as pathogenic or benign to our knowledge

NM_014317.5(PDSS1):c.874G>A (p.Ala292Thr)

Gene: PDSS1 (decaprenyl diphosphate synthase subunit 1; plus strand). Cytogenetic location: 10p12.1.
Variant type: single nucleotide variant.
Coding change: c.874G>A on transcript NM_014317.5 (MANE Select); coding-DNA position 874, G replaced by A.
Protein change: p.Ala292Thr; replaces alanine 292 with threonine.
Molecular consequence: missense variant. On other transcripts: intron variant (1).
Genome position (GRCh38, 1-based): chr10:26,735,282, G>A. VCF-style: chr10-26735282-G-A. GRCh37 (hg19) VCF-style: chr10-27024211-G-A.
Other names: c.364G>A, p.Ala122Thr (NM_001321979.2); c.836-7215G>A (NM_001321978.2); short protein forms A122T, A292T.
Identifiers: ClinVar variation 3906617 (VCV003906617.1).